The following is an entry in ClinVar:

NM_001365088.1(SLC12A6):c.*3821_*3822del

Genes: SLC12A6 (solute carrier family 12 member 6; minus strand), EMC4 (ER membrane protein complex subunit 4; plus strand). Cytogenetic location: 15q14.
Variant type: Deletion.
Coding change: c.*3821_*3822del on transcript NM_001365088.1 (MANE Select); 3821 bases downstream of the stop codon through 3822 bases downstream of the stop codon, 2 bases deleted (AT; older notation c.*3821_*3822delAT).
Molecular consequence: 3 prime UTR variant. On other transcripts: non-coding transcript variant (1).
Genome position (GRCh38, 1-based): chr15:34,230,059-34,230,060, AT deleted on the plus strand (AT on the coding strand, the reverse complement: SLC12A6 is on the minus strand); deleting any 2 consecutive bases within chr15:34,230,059-34,230,061 gives the same sequence; the c. name uses the placement nearest the transcript's 3' end. VCF-style (leftmost placement, unchanged base first): chr15-34230058-CAT-C. GRCh37 (hg19) VCF-style: chr15-34522259-CAT-C.
Other names: c.*213_*214del (NM_001286420.2); c.*272_*273del (NM_001351373.2, NM_016454.4); c.*3821_*3822del (NM_001042494.2, NM_001042495.2, NM_001042496.2 and 3 more transcripts).
Identifiers: ClinVar variation 2645147 (VCV002645147.24), dbSNP rs539180054, ClinGen allele CA268650100.

ClinVar aggregate classification (germline): Likely benign (1 of 4 stars; one submission).

Submission:

CeGaT Center for Human Genetics Tuebingen
Classification: Likely benign. Last evaluated: 2022-11-01. Review status: criteria provided, single submitter. Criteria: CeGaT Center For Human Genetics Tuebingen Variant Classification Criteria Version 2. Collection method: clinical testing. Allele origin: germline. Affected: yes. Observed: 1 variant allele.
Comment: EMC4: BS2; SLC12A6: BS2